The following is an entry in ClinVar:

NM_001353345.2(SETD1B):c.2631G>C (p.Lys877Asn)

Gene: SETD1B (SET domain containing 1B, histone lysine methyltransferase; plus strand). Cytogenetic location: 12q24.31.
Variant type: single nucleotide variant.
Coding change: c.2631G>C on transcript NM_001353345.2 (MANE Select); coding-DNA position 2631, G replaced by C.
Protein change: p.Lys877Asn; replaces lysine 877 with asparagine.
Molecular consequence: missense variant.
Genome position (GRCh38, 1-based): chr12:121,814,846, G>C. VCF-style: chr12-121814846-G-C. GRCh37 (hg19) VCF-style: chr12-122252752-G-C.
Other names: short protein forms K877N.
Identifiers: ClinVar variation 5018901 (VCV005018901.2).

ClinVar aggregate classification (germline): Uncertain significance (1 of 4 stars; one submission).

Conditions:
Intellectual developmental disorder with seizures and language delay (IDDSELD). Identifiers: MedGen C5436574, MONDO:0033559, OMIM 619000.

Submission:

Juno Genomics, Hangzhou Juno Genomics, Inc
Classification: Uncertain significance for Intellectual developmental disorder with seizures and language delay. Review status: criteria provided, single submitter. Criteria: ACMG Guidelines, 2015. Collection method: clinical testing. Allele origin: germline.
Comment: Absent from controls (or at extremely low frequency if recessive) in Genome Aggregation Database.;Missense variant in a gene that has a low rate of benign missense variation.